The following is an entry in ClinVar:

NM_001048174.2(MUTYH):c.119_122dup (p.Arg42fs)

Gene: MUTYH (mutY DNA glycosylase; minus strand). Cytogenetic location: 1p34.1.
Variant type: Duplication.
Coding change: c.119_122dup on transcript NM_001048174.2 (MANE Select); coding-DNA positions 119 to 122, 4 bases duplicated (TGGC; older notation c.119_122dupTGGC).
Protein change: p.Arg42fs; shifts the reading frame from arginine 42.
Molecular consequence: frameshift variant. On other transcripts: 5 prime UTR variant (1), non-coding transcript variant (2), intron variant (3).
Genome position (GRCh38, 1-based): chr1:45,333,555-45,333,558, GCCA duplicated on the plus strand (TGGC on the coding strand, the reverse complement: MUTYH is on the minus strand); duplicating any 4 consecutive bases within chr1:45,333,555-45,333,559 gives the same sequence; the c. name uses the placement nearest the transcript's 3' end. VCF-style (leftmost placement, unchanged base first): chr1-45333554-G-GGCCA. GRCh37 (hg19) VCF-style: chr1-45799226-G-GGCCA.
Other names: c.119_122dup, p.Arg42fs (NM_001048171.2, NM_001048173.2, NM_001293195.2); c.122_125dup, p.Arg43fs (NM_001048172.2); c.203_206dup, p.Arg70fs (NM_001128425.2); c.164_167dup, p.Arg57fs (NM_001293190.2); c.152_155dup, p.Arg53fs (NM_001293191.2); c.-153_-150dup (NM_001350650.2); c.193_196dup, p.Arg67Glyfs (NM_001407069.1); c.118_121dup, p.Arg42Glyfs (NM_001407070.1, NM_001407072.1, NM_001407080.1 and 3 more transcripts); and 9 more; short protein forms R43fs, R53fs, R42fs, R57fs, R67fs, R70fs.
Identifiers: ClinVar variation 1784749 (VCV001784749.2), dbSNP rs2149176119, ClinGen allele CA2580063280.

ClinVar aggregate classification (germline): Pathogenic (1 of 4 stars; one submission).

Conditions:
Hereditary cancer-predisposing syndrome. Also called: Neoplastic Syndromes, Hereditary; Tumor predisposition; Hereditary Cancer Syndrome; Hereditary neoplastic syndrome. Identifiers: Orphanet 140162, MedGen C0027672, MeSH D009386, MONDO:0015356.

Submission:

Ambry Genetics
Classification: Pathogenic for Hereditary cancer-predisposing syndrome. Last evaluated: 2022-01-19. Review status: criteria provided, single submitter. Criteria: Ambry Variant Classification Scheme 2023. Collection method: clinical testing. Allele origin: germline.
Comment: The c.203_206dupTGGC pathogenic mutation, located in coding exon 3 of the MUTYH gene, results from a duplication of TGGC at nucleotide position 203, causing a translational frameshift with a predicted alternate stop codon (p.R70Gfs*24). This variant is considered to be rare based on population cohorts in the Genome Aggregation Database (gnomAD). This alteration is expected to result in loss of function by premature protein truncation or nonsense-mediated mRNA decay. As such, this alteration is interpreted as a disease-causing mutation.